The following is an entry in ClinVar:

NM_024741.3(ZNF408):c.674C>T (p.Ser225Phe)

Gene: ZNF408 (zinc finger protein 408; plus strand). Cytogenetic location: 11p11.2.
Variant type: single nucleotide variant.
Coding change: c.674C>T on transcript NM_024741.3 (MANE Select); coding-DNA position 674, C replaced by T.
Protein change: p.Ser225Phe; replaces serine 225 with phenylalanine.
Molecular consequence: missense variant.
Genome position (GRCh38, 1-based): chr11:46,704,374, C>T. VCF-style: chr11-46704374-C-T. GRCh37 (hg19) VCF-style: chr11-46725924-C-T.
Other names: c.650C>T, p.Ser217Phe (NM_001184751.2); short protein forms S217F, S225F.
Identifiers: ClinVar variation 1354325 (VCV001354325.8), dbSNP rs2134509155, ClinGen allele CA380253927.

ClinVar aggregate classification (germline): Uncertain significance (1 of 4 stars; one submission).

Allele frequency attached by ClinVar (database versions not stated): gnomAD exomes below 0.00001.

Submission:

Labcorp Genetics (formerly Invitae), Labcorp
Classification: Uncertain significance. Last evaluated: 2021-08-28. Review status: criteria provided, single submitter. Criteria: Invitae Variant Classification Sherloc (09022015). Collection method: clinical testing. Allele origin: germline.
Comment: This sequence change replaces serine with phenylalanine at codon 225 of the ZNF408 protein (p.Ser225Phe). The serine residue is weakly conserved and there is a large physicochemical difference between serine and phenylalanine. This variant is not present in population databases (ExAC no frequency). This variant has not been reported in the literature in individuals with ZNF408-related conditions. Algorithms developed to predict the effect of missense changes on protein structure and function (SIFT, PolyPhen-2, Align-GVGD) all suggest that this variant is likely to be tolerated, but these predictions have not been confirmed by published functional studies and their clinical significance is uncertain. In summary, the available evidence is currently insufficient to determine the role of this variant in disease. Therefore, it has been classified as a Variant of Uncertain Significance.